The following is an entry in ClinVar:

ClinVar aggregate classification (germline): Uncertain significance (1 of 4 stars; one submission).

Allele frequency attached by ClinVar (database versions not stated): gnomAD exomes below 0.00001; TOPMed below 0.00001; ExAC 0.00001; ESP Exome Variant Server 0.00008.

Submission:

Labcorp Genetics (formerly Invitae), Labcorp
Classification: Uncertain significance. Last evaluated: 2023-11-08. Review status: criteria provided, single submitter. Criteria: Invitae Variant Classification Sherloc (09022015). Collection method: clinical testing. Allele origin: germline.
Comment: This sequence change replaces methionine, which is neutral and non-polar, with threonine, which is neutral and polar, at codon 1212 of the STAG1 protein (p.Met1212Thr). This variant is present in population databases (rs372781554, gnomAD 0.004%). This variant has not been reported in the literature in individuals affected with STAG1-related conditions. Advanced modeling of protein sequence and biophysical properties (such as structural, functional, and spatial information, amino acid conservation, physicochemical variation, residue mobility, and thermodynamic stability) performed at Invitae indicates that this missense variant is not expected to disrupt STAG1 protein function with a negative predictive value of 95%. In summary, the available evidence is currently insufficient to determine the role of this variant in disease. Therefore, it has been classified as a Variant of Uncertain Significance.

NM_005862.3(STAG1):c.3635T>C (p.Met1212Thr)

Gene: STAG1 (STAG1 cohesin complex component; minus strand). Cytogenetic location: 3q22.3.
Variant type: single nucleotide variant.
Coding change: c.3635T>C on transcript NM_005862.3 (MANE Select); coding-DNA position 3635, T replaced by C.
Protein change: p.Met1212Thr; replaces methionine 1212 with threonine.
Molecular consequence: missense variant.
Genome position (GRCh38, 1-based): chr3:136,340,528, A>G on the plus strand (T>C on the coding strand, the complement: STAG1 is on the minus strand). VCF-style: chr3-136340528-A-G. GRCh37 (hg19) VCF-style: chr3-136059370-A-G.
Other names: short protein forms M1212T.
Identifiers: ClinVar variation 2787538 (VCV002787538.3), dbSNP rs372781554, ClinGen allele CA2632346.